The following is an entry in ClinVar:

ClinVar aggregate classification (germline): Uncertain significance. Review status: criteria provided, multiple submitters, no conflicts (2 of 4 stars). 4 submissions from 4 submitters: Uncertain significance (2). 2 of the submissions do not count toward it. Last evaluated 2022-10-27.

Conditions:
PEX1-related disorder. Also called: PEX1-related condition.
Optic atrophy. Identifiers: MedGen C0029124, MONDO:0003608, HP:0000648.
Inborn genetic diseases. Identifiers: MedGen C0950123, MeSH D030342.
Zellweger spectrum disorders (ZS). Also called: Zellweger syndrome; Zellweger Spectrum Disorder; Zellweger Spectrum; Zellweger Spectrum Disorder (ZSD). Identifiers: Orphanet 912, MedGen C0043459, MONDO:0019609.

Allele frequency attached by ClinVar (database versions not stated): gnomAD exomes 0.00001; ExAC 0.00002; TOPMed 0.00006; ESP Exome Variant Server 0.00008; gnomAD 0.00008; 1000 Genomes Project 0.00020; 1000 Genomes Project 30x 0.00031.
gnomAD v4.1: 23 of 1,614,162 alleles (0.0014%); highest among the groups gnomAD compares: African/African-American, 0.025%; no homozygotes.

Submissions (4):

Ambry Genetics
Classification: Uncertain significance for Inborn genetic diseases. Last evaluated: 2022-10-27. Review status: criteria provided, single submitter. Criteria: Ambry Variant Classification Scheme 2023. Collection method: clinical testing. Allele origin: germline.

Labcorp Genetics (formerly Invitae), Labcorp
Classification: Uncertain significance for Zellweger spectrum disorders. Last evaluated: 2022-08-16. Review status: criteria provided, single submitter. Criteria: Invitae Variant Classification Sherloc (09022015). Collection method: clinical testing. Allele origin: germline.
Comment: This sequence change replaces lysine, which is basic and polar, with glutamic acid, which is acidic and polar, at codon 1204 of the PEX1 protein (p.Lys1204Glu). This variant is present in population databases (rs145980902, gnomAD 0.03%). This variant has not been reported in the literature in individuals affected with PEX1-related conditions. Algorithms developed to predict the effect of missense changes on protein structure and function are either unavailable or do not agree on the potential impact of this missense change (SIFT: "Deleterious"; PolyPhen-2: "Possibly Damaging"; Align-GVGD: "Class C0"). Algorithms developed to predict the effect of sequence changes on RNA splicing suggest that this variant may create or strengthen a splice site. In summary, the available evidence is currently insufficient to determine the role of this variant in disease. Therefore, it has been classified as a Variant of Uncertain Significance.

PreventionGenetics, part of Exact Sciences
Classification: Uncertain significance for PEX1-related condition. Last evaluated: 2024-06-17. Review status: no assertion criteria provided. Collection method: clinical testing. Allele origin: germline. Not counted in ClinVar's aggregate classification.
Comment: The PEX1 c.3610A>G variant is predicted to result in the amino acid substitution p.Lys1204Glu. To our knowledge, this variant has not been reported in the literature. This variant is reported in 0.018% of alleles in individuals of African descent in gnomAD. At this time, the clinical significance of this variant is uncertain due to the absence of conclusive functional and genetic evidence.

Institute of Human Genetics, Univ. Regensburg, Univ. Regensburg
Classification: Uncertain significance for Optic atrophy. Last evaluated: 2022-01-01. Review status: no assertion criteria provided. Criteria: ACMG Guidelines, 2015. Collection method: clinical testing. Allele origin: germline. Affected: yes. Not counted in ClinVar's aggregate classification.

NM_000466.3(PEX1):c.3610A>G (p.Lys1204Glu)

Genes: GATAD1 (GATA zinc finger domain containing 1; plus strand), PEX1 (peroxisomal biogenesis factor 1; minus strand). Cytogenetic location: 7q21.2.
Variant type: single nucleotide variant.
Coding change: c.3610A>G on transcript NM_000466.3 (MANE Select); coding-DNA position 3610, A replaced by G.
Protein change: p.Lys1204Glu; replaces lysine 1204 with glutamic acid.
Molecular consequence: missense variant.
Genome position (GRCh38, 1-based): chr7:92,489,740, T>C on the plus strand (A>G on the coding strand, the complement: PEX1 is on the minus strand). VCF-style: chr7-92489740-T-C. GRCh37 (hg19) VCF-style: chr7-92119054-T-C.
Other names: c.3439A>G, p.Lys1147Glu (NM_001282677.2); c.2986A>G, p.Lys996Glu (NM_001282678.2); c.3610A>G (NM_000466.2); short protein forms K1204E, K1147E, K996E.
Identifiers: ClinVar variation 2141490 (VCV002141490.4), dbSNP rs145980902, ClinGen allele CA4340791.